The following is an entry in ClinVar:

NM_000388.4(CASR):c.1732+2T>C

Gene: CASR (calcium sensing receptor; plus strand). Cytogenetic location: 3q21.1.
Variant type: single nucleotide variant.
Coding change: c.1732+2T>C on transcript NM_000388.4 (MANE Select); the canonical splice donor site of the intron after coding-DNA position 1732, T replaced by C.
Molecular consequence: splice donor variant.
Genome position (GRCh38, 1-based): chr3:122,282,238, T>C. VCF-style: chr3-122282238-T-C. GRCh37 (hg19) VCF-style: chr3-122001085-T-C.
Other names: c.1762+2T>C (NM_001178065.2).
Identifiers: ClinVar variation 3755140 (VCV003755140.2).

ClinVar aggregate classification (germline): Pathogenic (1 of 4 stars; one submission).

Conditions:
Autosomal dominant hypocalcemia 1 (HYPOC1). Also called: HYPOCALCEMIA, FAMILIAL. Identifiers: MedGen C3715128, MONDO:0011013, OMIM 601198.
Familial hypocalciuric hypercalcemia (FHH). Also called: Familial benign hypercalcemia. Identifiers: Orphanet 405, MedGen C1809471, MONDO:0018458.

Submission:

Labcorp Genetics (formerly Invitae), Labcorp
Classification: Pathogenic for Familial hypocalciuric hypercalcemia; Autosomal dominant hypocalcemia 1. Last evaluated: 2024-04-26. Review status: criteria provided, single submitter. Criteria: Invitae Variant Classification Sherloc (09022015). Collection method: clinical testing. Allele origin: germline.
Comment: This sequence change affects a donor splice site in intron 6 of the CASR gene. While this variant is not anticipated to result in nonsense mediated decay, it likely alters RNA splicing and results in a disrupted protein product. This variant is not present in population databases (gnomAD no frequency). This variant has not been reported in the literature in individuals affected with CASR-related conditions. Variants that disrupt the consensus splice site are a relatively common cause of aberrant splicing (PMID: 17576681, 9536098). Algorithms developed to predict the effect of sequence changes on RNA splicing suggest that this variant may disrupt the consensus splice site. This variant disrupts a region of the CASR protein in which other variant(s) (p.Arg886Pro) have been determined to be pathogenic (PMID: 11807402, 20798521). This suggests that this is a clinically significant region of the protein, and that variants that disrupt it are likely to be disease-causing. For these reasons, this variant has been classified as Pathogenic.

Literature cited by the submitters: PubMed 17576681; PubMed 9536098; PubMed 11807402; PubMed 20798521.